The following is an entry in ClinVar:

ClinVar aggregate classification (germline): not provided (0 of 4 stars; one submission).

Conditions:
Gestational diabetes mellitus uncontrolled. Identifiers: MedGen C3532257.

Submission:

Institute of Molecular and Cell Biology, University of Tartu
No classification provided. Condition: Gestational diabetes mellitus uncontrolled. Review status: no classification provided. Collection method: case-control. Allele origin: unknown. Affected: yes. Study: Kasak2014.
Comment: The study aimed to determine the contribution of copy number variants in the genetic etiology of normal and complicated pregnancies. The samples represented (i) maternal blood DNA drawn from healthy pregnant women during 1st or 2nd trimester and (ii) maternal and paternal blood DNA drawn at term pregnancy cases representing normal and complicated gestations (severe preeclampsia, PE; gestational diabetes, GD; small-for-gestational age newborn, SGA; large-for-gestational age newborn, LGA). We performed CNV calling based on genome-wide genotyping dataset (Illumina HumanOmniExpress-24-v1 BeadChip) by applying three algorithms, QuantiSNP, GADA (Genome Alteration Detection Algorithm) and CNstream in parallel. The acquired CNV calls were merged with HD-CNV (Hotspot Detector for Copy Number Variants) program and only the CNVs predicted by at least two programs, were considered in subsequent analysis.

Literature cited by the submitters: PubMed 25666259.

Single allele

Gene: MGC4859 (uncharacterized LOC79150; minus strand). Cytogenetic location: 7p21.3.
Variant type: Deletion.
Identifiers: ClinVar variation 157039 (VCV000157039.2).